The following is an entry in ClinVar:

ClinVar aggregate classification (germline): Uncertain significance. Review status: criteria provided, multiple submitters, no conflicts (2 of 4 stars). 2 submissions from 2 submitters: Uncertain significance (2). Last evaluated 2024-09-18.

Conditions:
Inborn genetic diseases. Identifiers: MedGen C0950123, MeSH D030342.

Submissions (2):

GeneDx
Classification: Uncertain significance. Last evaluated: 2024-09-18. Review status: criteria provided, single submitter. Criteria: GeneDx Variant Classification Process June 2021. Collection method: clinical testing. Allele origin: germline.
Comment: Not observed at significant frequency in large population cohorts (gnomAD); In silico analysis supports that this missense variant has a deleterious effect on protein structure/function; Has not been previously published as pathogenic or benign to our knowledge

Ambry Genetics
Classification: Uncertain significance for Inborn genetic diseases. Last evaluated: 2017-04-20. Review status: criteria provided, single submitter. Criteria: Ambry exome assertion method (8-5-2015). Collection method: clinical testing. Allele origin: germline. Affected: yes. Observed: 1 variant allele.

Literature cited by the submitters: PubMed 22542183 (cited by Ambry Genetics); PubMed 24462883 (cited by Ambry Genetics); PubMed 27081522 (cited by Ambry Genetics).

NM_001134673.4(NFIA):c.113G>A (p.Arg38Gln)

Gene: NFIA (nuclear factor I A; plus strand). Cytogenetic location: 1p31.3.
Variant type: single nucleotide variant.
Coding change: c.113G>A on transcript NM_001134673.4 (MANE Select); coding-DNA position 113, G replaced by A.
Protein change: p.Arg38Gln; replaces arginine 38 with glutamine.
Molecular consequence: missense variant.
Genome position (GRCh38, 1-based): chr1:61,088,234, G>A. VCF-style: chr1-61088234-G-A. GRCh37 (hg19) VCF-style: chr1-61553906-G-A.
Other names: c.89G>A, p.Arg30Gln (NM_001145511.2); c.248G>A, p.Arg83Gln (NM_001145512.2); c.113G>A, p.Arg38Gln (NM_005595.5); short protein forms R30Q, R83Q, R38Q.
Identifiers: ClinVar variation 521731 (VCV000521731.6), dbSNP rs1553149169, ClinGen allele CA340586302.